The following is an entry in ClinVar:

ClinVar aggregate classification (germline): Uncertain significance. Review status: criteria provided, multiple submitters, no conflicts (2 of 4 stars). 4 submissions from 4 submitters: Uncertain significance (4). Last evaluated 2026-07-09.

Conditions:
Isolated focal cortical dysplasia type II (FCORD2). Also called: CORTICAL DYSPLASIA OF TAYLOR; Focal cortical dysplasia type II. Identifiers: Orphanet 268994, MedGen C1846385, MONDO:0011818, OMIM 607341, HP:0032051.
Hereditary cancer-predisposing syndrome. Also called: Neoplastic Syndromes, Hereditary; Hereditary neoplastic syndrome; Hereditary Cancer Syndrome; Tumor predisposition. Identifiers: Orphanet 140162, MedGen C0027672, MeSH D009386, MONDO:0015356.
Tuberous sclerosis 2 (TSC2). Identifiers: Orphanet 805, MedGen C1860707, MONDO:0013199, OMIM 613254.

gnomAD v4.1: 5 of 1,613,356 alleles (0.00031%); highest among the groups gnomAD compares: Non-Finnish European, 0.00042%; no homozygotes.

Submissions (4):

Ambry Genetics
Classification: Uncertain significance for Hereditary cancer-predisposing syndrome. Last evaluated: 2026-07-09. Review status: criteria provided, single submitter. Criteria: Ambry Variant Classification Scheme 2023. Collection method: clinical testing. Allele origin: germline.
Comment: The p.S1507C variant (also known as c.4520C>G), located in coding exon 34 of the TSC2 gene, results from a C to G substitution at nucleotide position 4520. The serine at codon 1507 is replaced by cysteine, an amino acid with dissimilar properties. This amino acid position is conserved. In addition, this alteration is predicted to be deleterious by in silico analysis. Based on the available evidence, the clinical significance of this variant remains unclear.

Quest Diagnostics Nichols Institute San Juan Capistrano
Classification: Uncertain significance. Last evaluated: 2024-11-13. Review status: criteria provided, single submitter. Criteria: Quest Diagnostics criteria. Collection method: clinical testing. Allele origin: unknown.
Comment: The TSC2 c.4520C>G (p.Ser1507Cys) variant has not been reported in individuals with TSC2-related conditions in the published literature. It also has not been reported in large, multi-ethnic general populations (Genome Aggregation Database). Analysis of this variant using bioinformatics tools for the prediction of the effect of amino acid changes on protein structure and function yielded predictions that this variant is damaging. Based on the available information, we are unable to determine the clinical significance of this variant.

Baylor Genetics
Classification: Uncertain significance for Isolated focal cortical dysplasia type II. Last evaluated: 2023-10-14. Review status: criteria provided, single submitter. Criteria: ACMG Guidelines, 2015. Collection method: clinical testing. Allele origin: unknown.

Labcorp Genetics (formerly Invitae), Labcorp
Classification: Uncertain significance for Tuberous sclerosis 2. Last evaluated: 2023-10-13. Review status: criteria provided, single submitter. Criteria: Invitae Variant Classification Sherloc (09022015). Collection method: clinical testing. Allele origin: germline.
Comment: This sequence change replaces serine, which is neutral and polar, with cysteine, which is neutral and slightly polar, at codon 1507 of the TSC2 protein (p.Ser1507Cys). This variant is not present in population databases (gnomAD no frequency). This variant has not been reported in the literature in individuals affected with TSC2-related conditions. ClinVar contains an entry for this variant (Variation ID: 468096). Advanced modeling of protein sequence and biophysical properties (such as structural, functional, and spatial information, amino acid conservation, physicochemical variation, residue mobility, and thermodynamic stability) performed at Invitae indicates that this missense variant is not expected to disrupt TSC2 protein function. In summary, the available evidence is currently insufficient to determine the role of this variant in disease. Therefore, it has been classified as a Variant of Uncertain Significance.

NM_000548.5(TSC2):c.4520C>G (p.Ser1507Cys)

Gene: TSC2 (TSC complex subunit 2; plus strand). Cytogenetic location: 16p13.3.
Variant type: single nucleotide variant.
Coding change: c.4520C>G on transcript NM_000548.5 (MANE Select); coding-DNA position 4520, C replaced by G.
Protein change: p.Ser1507Cys; replaces serine 1507 with cysteine.
Molecular consequence: missense variant.
Genome position (GRCh38, 1-based): chr16:2,084,977, C>G. VCF-style: chr16-2084977-C-G. GRCh37 (hg19) VCF-style: chr16-2134978-C-G.
Other names: c.4319C>G, p.Ser1440Cys (NM_001077183.3); c.4451C>G, p.Ser1484Cys (NM_001114382.3); c.4211C>G, p.Ser1404Cys (NM_001318827.2); c.4175C>G, p.Ser1392Cys (NM_001318829.2); c.3788C>G, p.Ser1263Cys (NM_001318831.2); c.4352C>G, p.Ser1451Cys (NM_001318832.2); c.4322C>G, p.Ser1441Cys (NM_001363528.2); c.4388C>G, p.Ser1463Cys (NM_001370404.1); and 1 more; short protein forms S1507C, S1441C, S1463C, S1263C, S1392C, S1404C, S1440C, S1451C.
Identifiers: ClinVar variation 468096 (VCV000468096.15), dbSNP rs746246149, ClinGen allele CA394302783.